The following is an entry in ClinVar:

NM_000528.4(MAN2B1):c.2936A>G (p.His979Arg)

Gene: MAN2B1 (mannosidase alpha class 2B member 1; minus strand). Cytogenetic location: 19p13.13.
Variant type: single nucleotide variant.
Coding change: c.2936A>G on transcript NM_000528.4 (MANE Select); coding-DNA position 2936, A replaced by G.
Protein change: p.His979Arg; replaces histidine 979 with arginine.
Molecular consequence: missense variant.
Genome position (GRCh38, 1-based): chr19:12,646,720, T>C on the plus strand (A>G on the coding strand, the complement: MAN2B1 is on the minus strand). VCF-style: chr19-12646720-T-C. GRCh37 (hg19) VCF-style: chr19-12757534-T-C.
Other names: p.His979Arg; c.2933A>G, p.His978Arg (NM_001173498.2); short protein forms H978R, H979R.
Identifiers: ClinVar variation 2683479 (VCV002683479.1), dbSNP rs2023696849, ClinGen allele CA404237061.
Genomic context (GRCh38, chr19:12,646,720, plus strand): 5'-GTGCGGATTTCCATGGGTTCCAGCGTGATGTTGGCCGGGTCCAGCTGGTACGGAGTTTGG[T>C]GGGGTGTGGGGCCTGGAGAGGTGCAGGGGGAAGGAGGAGTGAGGAGGTGCAGACTTCCTC-3'
Protein context (NP_000519.2, residues 969-989): KWTTNTGPTP[His979Arg]QTPYQLDPAN

ClinVar aggregate classification (germline): Uncertain significance (1 of 4 stars; one submission).

gnomAD v4.1: 3 of 1,613,222 alleles (0.00019%); no homozygotes.

Submission:

Mayo Clinic Laboratories, Mayo Clinic
Classification: Uncertain significance. Last evaluated: 2023-03-27. Review status: criteria provided, single submitter. Criteria: ACMG Guidelines, 2015. Collection method: clinical testing. Allele origin: germline. Observed: 1 variant allele.
Comment: BP4, PM2